The following is an entry in ClinVar:

NM_182914.3(SYNE2):c.11557A>G (p.Ile3853Val)

Gene: SYNE2 (spectrin repeat containing nuclear envelope protein 2; plus strand). Cytogenetic location: 14q23.2.
Variant type: single nucleotide variant.
Coding change: c.11557A>G on transcript NM_182914.3 (MANE Select); coding-DNA position 11557, A replaced by G.
Protein change: p.Ile3853Val; replaces isoleucine 3853 with valine.
Molecular consequence: missense variant.
Genome position (GRCh38, 1-based): chr14:64,087,743, A>G. VCF-style: chr14-64087743-A-G. GRCh37 (hg19) VCF-style: chr14-64554461-A-G.
Other names: c.11557A>G, p.Ile3853Val (NM_015180.6); short protein forms I3853V.
Identifiers: ClinVar variation 2728386 (VCV002728386.3), dbSNP rs369974352, ClinGen allele CA7221851.

ClinVar aggregate classification (germline): Uncertain significance (1 of 4 stars; one submission).

Conditions:
Emery-Dreifuss muscular dystrophy 5, autosomal dominant (EDMD5). Also called: EMERY-DREIFUSS MUSCULAR DYSTROPHY 5. Identifiers: Orphanet 261, MedGen C2751805, MONDO:0013072, OMIM 612999.

Allele frequency attached by ClinVar (database versions not stated): gnomAD exomes 0.00001; ExAC 0.00002; gnomAD 0.00003; TOPMed 0.00005; ESP Exome Variant Server 0.00008.
gnomAD v4.1: 8 of 1,614,068 alleles (0.0005%); highest among the groups gnomAD compares: African/African-American, 0.0067%; no homozygotes.

Submission:

Labcorp Genetics (formerly Invitae), Labcorp
Classification: Uncertain significance for Emery-Dreifuss muscular dystrophy 5, autosomal dominant. Last evaluated: 2022-12-07. Review status: criteria provided, single submitter. Criteria: Invitae Variant Classification Sherloc (09022015). Collection method: clinical testing. Allele origin: germline.
Comment: This sequence change replaces isoleucine, which is neutral and non-polar, with valine, which is neutral and non-polar, at codon 3853 of the SYNE2 protein (p.Ile3853Val). This variant is present in population databases (rs369974352, gnomAD 0.02%). This variant has not been reported in the literature in individuals affected with SYNE2-related conditions. Algorithms developed to predict the effect of missense changes on protein structure and function output the following: SIFT: "Tolerated"; PolyPhen-2: "Benign"; Align-GVGD: "Class C0". The valine amino acid residue is found in multiple mammalian species, which suggests that this missense change does not adversely affect protein function. In summary, the available evidence is currently insufficient to determine the role of this variant in disease. Therefore, it has been classified as a Variant of Uncertain Significance.